The following is an entry in ClinVar:

NM_002834.5(PTPN11):c.184T>G (p.Tyr62Asp)

Gene: PTPN11 (protein tyrosine phosphatase non-receptor type 11; plus strand). Cytogenetic location: 12q24.13.
Variant type: single nucleotide variant.
Coding change: c.184T>G on transcript NM_002834.5 (MANE Select); coding-DNA position 184, T replaced by G.
Protein change: p.Tyr62Asp; replaces tyrosine 62 with aspartic acid.
Molecular consequence: missense variant.
Genome position (GRCh38, 1-based): chr12:112,450,364, T>G. VCF-style: chr12-112450364-T-G. GRCh37 (hg19) VCF-style: chr12-112888168-T-G.
Other names: p.Y62D:TAC>GAC; c.184T>G, p.Tyr62Asp (NM_001330437.2, NM_080601.3); c.181T>G, p.Tyr61Asp (NM_001374625.1); short protein forms Y62D, Y61D.
Identifiers: ClinVar variation 13329 (VCV000013329.62), dbSNP rs121918460, ClinGen allele CA234749.

ClinVar aggregate classification (germline): Pathogenic. Review status: reviewed by expert panel (3 of 4 stars). 30 submissions from 30 submitters: Pathogenic (1). 29 of the submissions do not count toward it. Last evaluated 2020-02-14.

Conditions:
Noonan syndrome and Noonan-related syndrome. Identifiers: Orphanet 98733, MedGen C5681679, MONDO:0020297.
Atrial septal defect, ostium secundum type. Also called: ASD II; Secundum atrial septal defect. Identifiers: Orphanet 99103, MedGen C0344724, MONDO:0020434, HP:0001684.
Right ventricular hypertrophy. Identifiers: MedGen C0162770, HP:0001667.
Dysplastic pulmonary valve. Identifiers: MedGen C0344974, HP:0005164.
Tricuspid regurgitation. Also called: tricuspid valve insufficiency. Identifiers: MedGen C0040961, MONDO:0002870, HP:0005180.
Failure to thrive. Also called: Pediatric failure to thrive. Identifiers: MedGen C2315100, HP:0001508.
Patent ductus arteriosus. Identifiers: MedGen C0013274, MONDO:0011827, HP:0001643.
PTPN11-related disorder. Also called: PTPN11-Related Disorders.
Cardiovascular phenotype. Identifiers: MedGen CN230736.
Metachondromatosis (METCDS). Identifiers: Orphanet 2499, MedGen C0410530, MONDO:0007979, OMIM 156250.
Noonan syndrome 1 (NS1). Also called: TURNER PHENOTYPE WITH NORMAL KARYOTYPE; PTPN11-Related Noonan Syndrome; FEMALE PSEUDO-TURNER SYNDROME. Identifiers: Orphanet 648, MedGen C4551602, MONDO:0008104, OMIM 163950. Disease mechanism: gain of function.
LEOPARD syndrome 1 (LPRD1). Also called: LENTIGINOSIS, CARDIOMYOPATHIC; MULTIPLE LENTIGINES SYNDROME; PTPN11-Related LEOPARD Syndrome. Identifiers: Orphanet 500, MedGen C4551484, MONDO:0100082, OMIM 151100.
Juvenile myelomonocytic leukemia (JMML). Also called: LEUKEMIA, JUVENILE MYELOMONOCYTIC, SOMATIC. Identifiers: Orphanet 86834, MedGen C0349639, MONDO:0011908, OMIM 607785, HP:0012209.
RASopathy. Also called: rasopathies; Noonan spectrum disorder. Identifiers: Orphanet 536391, MedGen C5555857, MONDO:0021060.
Noonan syndrome (NS). Also called: Noonan's syndrome. Identifiers: Orphanet 648, MedGen C0028326, MeSH D009634, MONDO:0018997. Disease mechanism: gain of function.

Submissions 1 to 6 of 30:

ClinGen RASopathy Variant Curation Expert Panel
Classification: Pathogenic for RASopathy. Last evaluated: 2020-02-14. Review status: reviewed by expert panel. Criteria: ClinGen RASopathy ACMG Specifications v1. Collection method: curation. Allele origin: germline. Inheritance: Autosomal dominant inheritance.
Comment: The c.184T>G (p.Tyr62Asp) variant in PTPN11 is absent from gnomAD (PM2). This variant has been observed in multiple individuals with Noonan syndrome (PS4; SCV000659042.4, PMIDs: 26817465, 19352411, 17020470, 12325025, 11992261, 19077116, 17339163). It has also been reported in the literature as an unconfirmed de novo occurrence in a patient with clinical features of a RASopathy (PM6; PMID: 12325025). In vitro functional studies provide some evidence that the p.Tyr62Asp variant may impact protein function (PS3; PMID: 22711529). Furthermore, the variant is in a location that has been defined by the ClinGen RASopathy Expert Panel to be a mutational hotspot or domain of PTPN11 (PM1; PMID: 29493581). Computational prediction tools and conservation analysis suggest the variant may impact the protein (PP3). Additionally, the p.Tyr62Asp variant is located in the PTPN11 gene, which has been defined by the ClinGen RASopathy Expert Panel as a gene with a low rate of benign missense variants and pathogenic missense variants are common (PP2; PMID: 29493581). In summary, the p.Tyr62Asp variant in PTPN11 meets criteria to be classified as pathogenic for RASopathies in an autosomal dominant manner. Rasopathy-specific ACMG/AMP criteria applied (PMID: 29493581): PM2, PS4, PM6, PS3, PM1, PP3, PP2.

PreventionGenetics, part of Exact Sciences
Classification: Pathogenic for PTPN11-related condition. Last evaluated: 2026-06-24. Review status: criteria provided, single submitter. Criteria: ACMG Guidelines, 2015. Collection method: clinical testing. Allele origin: germline. Not counted in ClinVar's aggregate classification.
Comment: The PTPN11 c.184T>G variant is predicted to result in the amino acid substitution p.Tyr62Asp. This variant has been reported in multiple individuals with Noonan syndrome with multiple cases where the variant arose de novo (see for example - Tartaglia et al. 2002. PubMed ID: 11992261; Szot et al. 2018. PubMed ID: 29555671). Pathogenic variants in PTPN11 act in a gain-of-function manner by causing an upregulation of the RAS pathway. Consistent with this mechanism, functional studies demonstrated this variant leads to elevated levels of ERK phosphorylation (Martinelli et al. 2012. PubMed ID: 22711529). Additionally, different missense variants affecting this residue (p.Tyr62Asn and p.Tyr62Cys) have been reported as pathogenic (Tartaglia et al. 2006. PubMed ID: 16358218; Jongmans et al. 2011. PubMed ID: 21407260). This variant has not been reported in a large population database (gnomAD), indicating this variant is rare. This variant is interpreted as pathogenic.

Labcorp Genetics (formerly Invitae), Labcorp
Classification: Pathogenic for RASopathy. Last evaluated: 2026-01-05. Review status: criteria provided, single submitter. Criteria: Invitae Variant Classification Sherloc (09022015). Collection method: clinical testing. Allele origin: germline. Not counted in ClinVar's aggregate classification.
Comment: This sequence change replaces tyrosine, which is neutral and polar, with aspartic acid, which is acidic and polar, at codon 62 of the PTPN11 protein (p.Tyr62Asp). This variant is not present in population databases (gnomAD no frequency). This missense change has been observed in individual(s) with Noonan-like/multiple giant cell syndrome and Noonan syndrome (PMID: 11992261, 12325025, 15240615, 16358218, 17020470, 19020799, 19352411, 26817465). In at least one individual the variant was observed to be de novo. ClinVar contains an entry for this variant (Variation ID: 13329). Invitae Evidence Modeling incorporating data from in vitro experimental studies (internal data) indicates that this missense variant is expected to disrupt PTPN11 function with a positive predictive value of 95%. Experimental studies have shown that this missense change affects PTPN11 function (PMID: 22711529). For these reasons, this variant has been classified as Pathogenic.

Ambry Genetics
Classification: Pathogenic for Cardiovascular phenotype. Last evaluated: 2025-10-03. Review status: criteria provided, single submitter. Criteria: Ambry Variant Classification Scheme 2023. Collection method: clinical testing. Allele origin: germline. Not counted in ClinVar's aggregate classification.
Comment: The p.Y62D pathogenic mutation (also known as c.184T>G), located in coding exon 3 of the PTPN11 gene, results from a T to G substitution at nucleotide position 184. The tyrosine at codon 62 is replaced by aspartic acid, an amino acid with highly dissimilar properties. Based on the available evidence, the PTPN11 c.184T>D (p.Y62D) alteration is classified as pathogenic for PTPN11-related RASopathy; however, this variant is unlikely to be causative of metachondromatosis. This variant was not reported in population-based cohorts in the Genome Aggregation Database (gnomAD). This variant was reported in individual(s) with features consistent with PTPN11-related RASopathy (Maheshwari, 2002; Tartaglia, 2002; Sarkozy, 2003; Musante, 2003; Zenker, 2004; Kratz, 2005; Binder, 2005; Ko, 2008; Beneteau, 2009; Ezquieta, 2012). This amino acid position is highly conserved in available vertebrate species. Other variant(s) at the same codon, p.Y62C (c.185A>G), p.Y62N (c.184T>A), have been identified in individual(s) with features consistent with PTPN11-related RASopathy (Bentires-Alj, 2004; Tartaglia, 2006). In an assay testing PTPN11 function, this variant showed functionally abnormal results (Martinelli, 2012) This alteration is predicted to be deleterious by in silico analysis. Based on the available evidence, this alteration is classified as pathogenic.

Dasa
Classification: Pathogenic. Last evaluated: 2025-07-30. Review status: criteria provided, single submitter. Criteria: DASA Assertion Criteria. Collection method: clinical testing. Allele origin: germline. Not counted in ClinVar's aggregate classification.
Comment: NM_002834.5(PTPN11):c.184T>G (p.Tyr62Asp) is a missense variant that results in the substitution of tyrosine with aspartic acid. The affected residue or protein region has prior evidence supporting clinical relevance. De novo occurrence has been reported in an individual with related phenotype. This variant has been recurrently observed in individuals with related phenotype (PMID: 12325025; PMID: 11992261; PMID: 29493581). Multiple computational predictions support a deleterious effect on the gene or gene product. The variant is present at low frequency in population datasets. Based on the available data, this variant is classified as pathogenic.

Clinical Genetics Laboratory, Skane University Hospital Lund
Classification: Pathogenic for Noonan syndrome 1. Last evaluated: 2025-07-04. Review status: criteria provided, single submitter. Criteria: ACMG Guidelines, 2015. Collection method: clinical testing. Allele origin: de novo. Inheritance: Autosomal dominant inheritance. Affected: yes. Not counted in ClinVar's aggregate classification.